The following is an entry in ClinVar:

ClinVar aggregate classification (germline): Uncertain significance (1 of 4 stars; one submission).

Conditions:
Spastic paraplegia. Identifiers: MedGen C0037772, HP:0001258.

Allele frequency attached by ClinVar (database versions not stated): gnomAD 0.00001; gnomAD exomes 0.00001; TOPMed 0.00002.

Submission:

Labcorp Genetics (formerly Invitae), Labcorp
Classification: Uncertain significance for Spastic paraplegia. Last evaluated: 2022-06-10. Review status: criteria provided, single submitter. Criteria: Invitae Variant Classification Sherloc (09022015). Collection method: clinical testing. Allele origin: germline.
Comment: This sequence change replaces glycine, which is neutral and non-polar, with cysteine, which is neutral and slightly polar, at codon 490 of the CYP7B1 protein (p.Gly490Cys). This variant is present in population databases (no rsID available, gnomAD 0.007%). This missense change has been observed in individual(s) with clinical features of hereditary spastic paraplegia (Invitae). ClinVar contains an entry for this variant (Variation ID: 1062115). Algorithms developed to predict the effect of missense changes on protein structure and function are either unavailable or do not agree on the potential impact of this missense change (SIFT: "Deleterious"; PolyPhen-2: "Probably Damaging"; Align-GVGD: "Class C0"). In summary, the available evidence is currently insufficient to determine the role of this variant in disease. Therefore, it has been classified as a Variant of Uncertain Significance.

NM_004820.5(CYP7B1):c.1468G>T (p.Gly490Cys)

Gene: CYP7B1 (cytochrome P450 family 7 subfamily B member 1; minus strand). Cytogenetic location: 8q12.3.
Variant type: single nucleotide variant.
Coding change: c.1468G>T on transcript NM_004820.5 (MANE Select); coding-DNA position 1468, G replaced by T.
Protein change: p.Gly490Cys; replaces glycine 490 with cysteine.
Molecular consequence: missense variant. On other transcripts: intron variant (1).
Genome position (GRCh38, 1-based): chr8:64,596,695, C>A on the plus strand (G>T on the coding strand, the complement: CYP7B1 is on the minus strand). VCF-style: chr8-64596695-C-A. GRCh37 (hg19) VCF-style: chr8-65509252-C-A.
Other names: c.1234-6851G>T (NM_001324112.2); short protein forms G490C.
Identifiers: ClinVar variation 1062115 (VCV001062115.6), dbSNP rs1259728204, ClinGen allele CA371333107.